The following is an entry in ClinVar:

NM_153460.4(IL17RC):c.2125G>C (p.Gly709Arg)

Genes: IL17RC (interleukin 17 receptor C; plus strand), LOC129936144 (ATAC-STARR-seq lymphoblastoid silent region 14051; plus strand). Cytogenetic location: 3p25.3.
Variant type: single nucleotide variant.
Coding change: c.2125G>C on transcript NM_153460.4 (MANE Select); coding-DNA position 2125, G replaced by C.
Protein change: p.Gly709Arg; replaces glycine 709 with arginine.
Molecular consequence: missense variant. On other transcripts: non-coding transcript variant (1).
Genome position (GRCh38, 1-based): chr3:9,933,555, G>C. VCF-style: chr3-9933555-G-C. GRCh37 (hg19) VCF-style: chr3-9975239-G-C.
Other names: c.2086G>C, p.Gly696Arg (NM_001203263.2); c.2035G>C, p.Gly679Arg (NM_001203264.2); c.2029G>C, p.Gly677Arg (NM_001203265.2); c.2047G>C, p.Gly683Arg (NM_001367278.1); c.1966G>C, p.Gly656Arg (NM_001367279.1); c.2041G>C, p.Gly681Arg (NM_001367280.1); c.2080G>C, p.Gly694Arg (NM_032732.6); c.2338G>C, p.Gly780Arg (NM_153461.4); short protein forms G656R, G677R, G679R, G681R, G683R, G694R, G696R, G709R.
Identifiers: ClinVar variation 1001477 (VCV001001477.5), dbSNP rs754096924, ClinGen allele CA2247501.

ClinVar aggregate classification (germline): Uncertain significance (1 of 4 stars; one submission).

Conditions:
Candidiasis, familial, 9 (CANDF9). Identifiers: Orphanet 1334, MedGen C4225324, MONDO:0014642, OMIM 616445.

Allele frequency attached by ClinVar (database versions not stated): gnomAD 0.00001; gnomAD exomes 0.00001; TOPMed 0.00002; ExAC 0.00003.
gnomAD v4.1: 22 of 1,606,304 alleles (0.0014%); highest among the groups gnomAD compares: Non-Finnish European, 0.000085%; no homozygotes.

Submission:

Labcorp Genetics (formerly Invitae), Labcorp
Classification: Uncertain significance for Candidiasis, familial, 9. Last evaluated: 2024-12-12. Review status: criteria provided, single submitter. Criteria: Invitae Variant Classification Sherloc (09022015). Collection method: clinical testing. Allele origin: germline.
Comment: This sequence change replaces glycine, which is neutral and non-polar, with arginine, which is basic and polar, at codon 780 of the IL17RC protein (p.Gly780Arg). This variant is present in population databases (rs754096924, gnomAD 0.03%). This variant has not been reported in the literature in individuals affected with IL17RC-related conditions. ClinVar contains an entry for this variant (Variation ID: 1001477). Experimental studies and prediction algorithms are not available or were not evaluated, and the functional significance of this variant is currently unknown. In summary, the available evidence is currently insufficient to determine the role of this variant in disease. Therefore, it has been classified as a Variant of Uncertain Significance.